The following is an entry in ClinVar:

ClinVar aggregate classification (germline): Uncertain significance. Review status: criteria provided, multiple submitters, no conflicts (2 of 4 stars). 3 submissions from 3 submitters: Uncertain significance (2). 1 of the submissions does not count toward it. Last evaluated 2026-07-30.

Conditions:
Hereditary cancer-predisposing syndrome. Also called: Neoplastic Syndromes, Hereditary; Hereditary neoplastic syndrome; Hereditary Cancer Syndrome; Tumor predisposition. Identifiers: Orphanet 140162, MedGen C0027672, MeSH D009386, MONDO:0015356.
Familial cancer of breast. Also called: hereditary breast carcinoma; Hereditary breast cancer; BREAST CANCER, FAMILIAL. Identifiers: Orphanet 227535, MedGen C0346153, MONDO:0016419, OMIM 114480. Disease mechanism: loss of function.

Submissions (3):

Ambry Genetics
Classification: Uncertain significance for Hereditary cancer-predisposing syndrome. Last evaluated: 2026-07-30. Review status: criteria provided, single submitter. Criteria: Ambry Variant Classification Scheme 2023. Collection method: clinical testing. Allele origin: germline.
Comment: The c.2305_2334del30 variant (also known as p.L769_S778del) is located in coding exon 5 of the PALB2 gene. This variant results from an in-frame CTTGCCAGTGATACTAAACAATTCGACAGT deletion at nucleotide positions 2305 to 2334. This results in the in-frame deletion of 10 amino acids at codon 769. This amino acid region is not well conserved in available vertebrate species. In addition, this variant is predicted to be deleterious by in silico analysis (Choi Y et al. PLoS ONE. 2012; 7(10):e46688). Based on the available evidence, the clinical significance of this variant remains unclear.

Color Diagnostics, LLC DBA Color Health
Classification: Uncertain significance for Hereditary cancer-predisposing syndrome. Last evaluated: 2021-07-29. Review status: criteria provided, single submitter. Criteria: ACMG Guidelines, 2015. Collection method: clinical testing. Allele origin: germline.
Comment: This variant deletes 30 nucleotides in the PALB2 gene, causing an in-frame deletion of 10 amino acids in the variant PALB2 protein. To our knowledge, functional studies have not been reported for this variant. This variant has not been reported in individuals affected with hereditary cancer in the literature. This variant has not been identified in the general population by the Genome Aggregation Database (gnomAD). The available evidence is insufficient to determine the role of this variant in disease conclusively. Therefore, this variant is classified as a Variant of Uncertain Significance.

Counsyl
Classification: Uncertain significance for Familial cancer of breast. Last evaluated: 2018-04-24. Review status: no assertion criteria provided. Collection method: clinical testing. Allele origin: unknown. Not counted in ClinVar's aggregate classification.

NM_024675.4(PALB2):c.2305_2334del (p.Leu769_Ser778del)

Gene: PALB2 (partner and localizer of BRCA2; minus strand). Cytogenetic location: 16p12.2.
Variant type: Deletion.
Coding change: c.2305_2334del on transcript NM_024675.4 (MANE Select); coding-DNA positions 2305 to 2334, 30 bases deleted (CTTGCCAGTGATACTAAACAATTCGACAGT).
Protein change: p.Leu769_Ser778del.
Molecular consequence: inframe deletion.
Genome position (GRCh38, 1-based): chr16:23,629,820-23,629,849, ACTGTCGAATTGTTTAGTATCACTGGCAAG deleted on the plus strand (CTTGCCAGTGATACTAAACAATTCGACAGT on the coding strand, the reverse complement: PALB2 is on the minus strand); deleting any 30 consecutive bases within chr16:23,629,820-23,629,851 gives the same sequence; the c. name uses the placement nearest the transcript's 3' end. VCF-style (leftmost placement, unchanged base first): chr16-23629819-AACTGTCGAATTGTTTAGTATCACTGGCAAG-A. GRCh37 (hg19) VCF-style: chr16-23641140-AACTGTCGAATTGTTTAGTATCACTGGCAAG-A.
Other names: c.2305_2334del30 (NM_024675.3); c.2305_2334delCTTGCCAGTGATACTAAACAATTCGACAGT (NM_024675.3).
Identifiers: ClinVar variation 490075 (VCV000490075.7), dbSNP rs1555460399, ClinGen allele CA658683924.